The following is an entry in ClinVar:

NM_198253.3(TERT):c.593G>T (p.Gly198Val)

Gene: TERT (telomerase reverse transcriptase; minus strand). Cytogenetic location: 5p15.33.
Variant type: single nucleotide variant.
Coding change: c.593G>T on transcript NM_198253.3 (MANE Select); coding-DNA position 593, G replaced by T.
Protein change: p.Gly198Val; replaces glycine 198 with valine.
Molecular consequence: missense variant. On other transcripts: non-coding transcript variant (2).
Genome position (GRCh38, 1-based): chr5:1,294,293, C>A on the plus strand (G>T on the coding strand, the complement: TERT is on the minus strand). VCF-style: chr5-1294293-C-A. GRCh37 (hg19) VCF-style: chr5-1294408-C-A.
Other names: c.593G>T, p.Gly198Val (NM_001193376.3); short protein forms G198V.
Identifiers: ClinVar variation 3762243 (VCV003762243.4).
Genomic context (GRCh38, chr5:1,294,293, plus strand): 5'-GCTGGCAGGCCCAGGGGGACCCCGGCCTCCCTGACGCTATGGTTCCAGGCCCGTTCGCAT[C>A]CCAGACGCCTTCGGGGTCCACTAGCGTGTGGCGGGGGCCGGGCCTGAGTGGCAGCGCCGA-3'
Protein context (NP_937983.2, residues 188-208): PHASGPRRRL[Gly198Val]CERAWNHSVR

ClinVar aggregate classification (germline): Uncertain significance. Review status: criteria provided, multiple submitters, no conflicts (2 of 4 stars). 2 submissions from 2 submitters: Uncertain significance (2). Last evaluated 2026-06-10.

Conditions:
Idiopathic Pulmonary Fibrosis. Also called: Idiopathic fibrosing alveolitis, chronic form; idiopathic fibrosing alveolitis. Identifiers: Orphanet 2032, MedGen C1800706, MeSH D054990, MONDO:0800504.
Dyskeratosis congenita, autosomal dominant 2. Identifiers: MedGen C3151443, MONDO:0013521, OMIM 613989.
Dyskeratosis congenita. Identifiers: Orphanet 1775, MedGen C0265965, MONDO:0015780.

Submissions (2):

Ambry Genetics
Classification: Uncertain significance for Dyskeratosis congenita. Last evaluated: 2026-06-10. Review status: criteria provided, single submitter. Criteria: Ambry Variant Classification Scheme 2023. Collection method: clinical testing. Allele origin: germline.

Labcorp Genetics (formerly Invitae), Labcorp
Classification: Uncertain significance for Dyskeratosis congenita, autosomal dominant 2; Idiopathic Pulmonary Fibrosis. Last evaluated: 2024-03-09. Review status: criteria provided, single submitter. Criteria: Invitae Variant Classification Sherloc (09022015). Collection method: clinical testing. Allele origin: germline.
Comment: This sequence change replaces glycine, which is neutral and non-polar, with valine, which is neutral and non-polar, at codon 198 of the TERT protein (p.Gly198Val). This variant is not present in population databases (gnomAD no frequency). This variant has not been reported in the literature in individuals affected with TERT-related conditions. Advanced modeling of protein sequence and biophysical properties (such as structural, functional, and spatial information, amino acid conservation, physicochemical variation, residue mobility, and thermodynamic stability) has been performed at Invitae for this missense variant, however the output from this modeling did not meet the statistical confidence thresholds required to predict the impact of this variant on TERT protein function. Algorithms developed to predict the effect of sequence changes on RNA splicing suggest that this variant may create or strengthen a splice site. In summary, the available evidence is currently insufficient to determine the role of this variant in disease. Therefore, it has been classified as a Variant of Uncertain Significance.